The following is an entry in ClinVar:

ClinVar aggregate classification (germline): Benign/Likely benign. Review status: criteria provided, multiple submitters, no conflicts (2 of 4 stars). 5 submissions from 5 submitters: Benign (4); Likely benign (1). Last evaluated 2026-05-11.

Allele frequency attached by ClinVar (database versions not stated): gnomAD 0.01380 and 0.01298; 1000 Genomes Project 0.01478; gnomAD exomes 0.00120 and 0.00333; ESP Exome Variant Server 0.01285; TOPMed 0.01459; ExAC 0.00414; 1000 Genomes Project 30x 0.01546.
gnomAD v4.1: 3,820 of 1,614,060 alleles (0.24%); highest among the groups gnomAD compares: African/African-American, 4.3%; 67 homozygotes.

Submissions (5):

Women's Health and Genetics/Laboratory Corporation of America, LabCorp
Classification: Benign. Last evaluated: 2026-05-11. Review status: criteria provided, single submitter. Criteria: LabCorp Variant Classification Summary - May 2015. Collection method: clinical testing. Allele origin: germline.

Labcorp Genetics (formerly Invitae), Labcorp
Classification: Benign. Last evaluated: 2026-01-27. Review status: criteria provided, single submitter. Criteria: Invitae Variant Classification Sherloc (09022015). Collection method: clinical testing. Allele origin: germline.

GeneDx
Classification: Likely benign. Last evaluated: 2021-05-05. Review status: criteria provided, single submitter. Criteria: GeneDx Variant Classification Process June 2021. Collection method: clinical testing. Allele origin: germline. Affected: yes.
Comment: See Variant Classification Assertion Criteria.

Genetic Services Laboratory, University of Chicago
Classification: Benign. Last evaluated: 2013-02-08. Review status: criteria provided, single submitter. Criteria: ACMG Guidelines, 2007. Collection method: clinical testing. Allele origin: germline. Inheritance: Autosomal dominant inheritance.

Breakthrough Genomics
Classification: Benign. Review status: criteria provided, single submitter. Criteria: ACMG Guidelines, 2015. Collection method: not provided. Allele origin: germline. Inheritance: Autosomal dominant inheritance. Affected: yes.

NM_006662.3(SRCAP):c.7263C>A (p.Arg2421=)

Gene: SRCAP (Snf2 related CREBBP activator protein; plus strand). Cytogenetic location: 16p11.2.
Variant type: single nucleotide variant.
Coding change: c.7263C>A on transcript NM_006662.3 (MANE Select); coding-DNA position 7263, C replaced by A.
Protein change: p.Arg2421=; no amino-acid change (arginine 2421 retained).
Molecular consequence: synonymous variant.
Genome position (GRCh38, 1-based): chr16:30,737,303, C>A. VCF-style: chr16-30737303-C-A. GRCh37 (hg19) VCF-style: chr16-30748624-C-A.
Identifiers: ClinVar variation 160037 (VCV000160037.19), dbSNP rs74947321, ClinGen allele CA173607.